The following is an entry in ClinVar:

NM_001190737.2(NFIB):c.663A>G (p.Ser221=)

Gene: NFIB (nuclear factor I B; minus strand). Cytogenetic location: 9p23.
Variant type: single nucleotide variant.
Coding change: c.663A>G on transcript NM_001190737.2 (MANE Select); coding-DNA position 663, A replaced by G.
Protein change: p.Ser221=; no amino-acid change (serine 221 retained).
Molecular consequence: synonymous variant. On other transcripts: 5 prime UTR variant (1), non-coding transcript variant (4).
Genome position (GRCh38, 1-based): chr9:14,155,847, T>C on the plus strand (A>G on the coding strand, the complement: NFIB is on the minus strand). VCF-style: chr9-14155847-T-C. GRCh37 (hg19) VCF-style: chr9-14155846-T-C.
Other names: c.741A>G, p.Ser247= (NM_001190738.2); c.-94A>G (NM_001282787.2); c.729A>G, p.Ser243= (NM_001369458.1, NM_001369459.1, NM_001369462.1 and 1 more transcripts); c.651A>G, p.Ser217= (NM_001369460.1, NM_001369463.1, NM_001369466.1 and 2 more transcripts); c.663A>G, p.Ser221= (NM_001369461.1, NM_001369464.1, NM_001369471.1 and 1 more transcripts); c.636A>G, p.Ser212= (NM_001369465.1, NM_001369467.1, NM_001369476.1); c.519A>G, p.Ser173= (NM_001369469.1); c.426A>G, p.Ser142= (NM_001369470.1, NM_001369478.1); and 4 more.
Identifiers: ClinVar variation 3054849 (VCV003054849.2), dbSNP rs61754991, ClinGen allele CA4988584.

ClinVar aggregate classification (germline): Likely benign (0 of 4 stars; one submission).

Conditions:
NFIB-related disorder. Also called: NFIB-related condition.

Allele frequency attached by ClinVar (database versions not stated): gnomAD 0.00003; gnomAD exomes 0.00003; ExAC 0.00004; TOPMed 0.00004; ESP Exome Variant Server 0.00015.
gnomAD v4.1: 44 of 1,586,086 alleles (0.0028%); highest among the groups gnomAD compares: Non-Finnish European, 0.0034%; no homozygotes.

Submission:

PreventionGenetics, part of Exact Sciences
Classification: Likely benign for NFIB-related condition. Last evaluated: 2022-04-26. Review status: no assertion criteria provided. Collection method: clinical testing. Allele origin: germline.
Comment: This variant is classified as likely benign based on ACMG/AMP sequence variant interpretation guidelines (Richards et al. 2015 PMID: 25741868, with internal and published modifications).